The following is an entry in ClinVar:

ClinVar aggregate classification (germline): Uncertain significance (1 of 4 stars; one submission).

Conditions:
Long QT syndrome (LQTS). Identifiers: MedGen C0023976, MeSH D008133, MONDO:0002442. Disease mechanism: loss of function. Inheritance: Various modes of inheritance.

gnomAD v4.1: 3 of 1,614,008 alleles (0.00019%); highest among the groups gnomAD compares: Admixed American, 0.0017%; no homozygotes.

Submission:

Labcorp Genetics (formerly Invitae), Labcorp
Classification: Uncertain significance for Long QT syndrome. Last evaluated: 2021-10-04. Review status: criteria provided, single submitter. Criteria: Invitae Variant Classification Sherloc (09022015). Collection method: clinical testing. Allele origin: germline.
Comment: In summary, the available evidence is currently insufficient to determine the role of this variant in disease. Therefore, it has been classified as a Variant of Uncertain Significance. Algorithms developed to predict the effect of missense changes on protein structure and function are either unavailable or do not agree on the potential impact of this missense change (SIFT: "Tolerated"; PolyPhen-2: "Possibly Damaging"; Align-GVGD: "Class C0"). This variant has not been reported in the literature in individuals affected with AKAP9-related conditions. This variant is not present in population databases (ExAC no frequency). This sequence change replaces histidine with aspartic acid at codon 1127 of the AKAP9 protein (p.His1127Asp). The histidine residue is moderately conserved and there is a moderate physicochemical difference between histidine and aspartic acid.

NM_005751.5(AKAP9):c.3379C>G (p.His1127Asp)

Gene: AKAP9 (A-kinase anchoring protein 9; plus strand). Cytogenetic location: 7q21.2.
Variant type: single nucleotide variant.
Coding change: c.3379C>G on transcript NM_005751.5 (MANE Select); coding-DNA position 3379, C replaced by G.
Protein change: p.His1127Asp; replaces histidine 1127 with aspartic acid.
Molecular consequence: missense variant.
Genome position (GRCh38, 1-based): chr7:92,012,489, C>G. VCF-style: chr7-92012489-C-G. GRCh37 (hg19) VCF-style: chr7-91641803-C-G.
Other names: c.3379C>G, p.His1127Asp (NM_147185.3); short protein forms H1127D.
Identifiers: ClinVar variation 1522628 (VCV001522628.6), dbSNP rs1562978382, ClinGen allele CA368125863.
Genomic context (GRCh38, chr7:92,012,489, plus strand): 5'-AATGATTTAAGGCTACAGATGGAAGCCCAACGCATTTGCCTCTCTCTGGTTTATTCAACT[C>G]ATGTGGATCAGGTTCGTGAATATATGGAAAATGAAAAAGATAAAGCTCTTTGCAGTCTTA-3'
Protein context (NP_005742.4, residues 1117-1137): RICLSLVYST[His1127Asp]VDQVREYMEN